The following is an entry in ClinVar:

ClinVar aggregate classification (germline): Uncertain significance (1 of 4 stars; one submission).

Submission:

Laboratory for Molecular Medicine, Mass General Brigham Personalized Medicine
Classification: Uncertain significance. Last evaluated: 2014-06-24. Review status: criteria provided, single submitter. Criteria: LMM Criteria. Collection method: clinical testing. Allele origin: germline. Observed: 1 variant allele.
Comment: Variant classified as Uncertain Significance - Favor Pathogenic. The Gln306Leu v ariant in EDA has not been previously reported in any individuals with X-linked hypohidrotic ectodermal dysplasia (XLHED) and was absent from large population s tudies. However, two other amino acid changes (Gln306His and Gln306Pro) at this position have been reported in individual with XLHED (Hsu 2003, Lei 2009), sugg esting that changes at this position may not be tolerated. Computational predict ion tools and conservation analysis suggest that the Gln306Leu variant may impac t the protein, though this information is not predictive enough to determine pat hogenicity. In summary, while the available data on the Gln306Leu variant is sus picious to be pathogenic, the clinical significance of this variant is uncertain .

Literature cited by the submitters: PubMed 12932274; PubMed 20077893.

NM_001399.5(EDA):c.917A>T (p.Gln306Leu)

Gene: EDA (ectodysplasin A; plus strand). Cytogenetic location: Xq13.1.
Variant type: single nucleotide variant.
Coding change: c.917A>T on transcript NM_001399.5 (MANE Select); coding-DNA position 917, A replaced by T.
Protein change: p.Gln306Leu; replaces glutamine 306 with leucine.
Molecular consequence: missense variant.
Genome position (GRCh38, 1-based): chrX:70,033,521, A>T. VCF-style: chrX-70033521-A-T. GRCh37 (hg19) VCF-style: chrX-69253371-A-T.
Other names: c.917A>T, p.Gln306Leu (NM_001005609.2); c.908A>T, p.Gln303Leu (NM_001005612.3); short protein forms Q306L, Q303L.
Identifiers: ClinVar variation 163322 (VCV000163322.4), dbSNP rs727503009, ClinGen allele CA175986.